The following is an entry in ClinVar:

NM_005505.5(SCARB1):c.163A>G (p.Met55Val)

Gene: SCARB1 (scavenger receptor class B member 1; minus strand). Cytogenetic location: 12q24.31.
Variant type: single nucleotide variant.
Coding change: c.163A>G on transcript NM_005505.5 (MANE Select); coding-DNA position 163, A replaced by G.
Protein change: p.Met55Val; replaces methionine 55 with valine.
Molecular consequence: missense variant. On other transcripts: non-coding transcript variant (9).
Genome position (GRCh38, 1-based): chr12:124,817,671, T>C on the plus strand (A>G on the coding strand, the complement: SCARB1 is on the minus strand). VCF-style: chr12-124817671-T-C. GRCh37 (hg19) VCF-style: chr12-125302217-T-C.
Other names: c.163A>G, p.Met55Val (NM_001082959.2, NM_001367981.1, NM_001367983.1 and 6 more transcripts); c.40A>G, p.Met14Val (NM_001367982.1); short protein forms M55V, M14V.
Identifiers: ClinVar variation 3718790 (VCV003718790.2).

ClinVar aggregate classification (germline): Uncertain significance (1 of 4 stars; one submission).

gnomAD v4.1: 145 of 1,614,006 alleles (0.009%); highest among the groups gnomAD compares: Admixed American, 0.24%; no homozygotes.

Submission:

Labcorp Genetics (formerly Invitae), Labcorp
Classification: Uncertain significance. Last evaluated: 2025-04-12. Review status: criteria provided, single submitter. Criteria: Invitae Variant Classification Sherloc (09022015). Collection method: clinical testing. Allele origin: germline.
Comment: This sequence change replaces methionine, which is neutral and non-polar, with valine, which is neutral and non-polar, at codon 55 of the SCARB1 protein (p.Met55Val). This variant is present in population databases (rs749801989, gnomAD 0.1%), and has an allele count higher than expected for a pathogenic variant. This variant has not been reported in the literature in individuals affected with SCARB1-related conditions. ClinVar contains an entry for this variant (Variation ID: 3718790). Invitae Evidence Modeling of protein sequence and biophysical properties (such as structural, functional, and spatial information, amino acid conservation, physicochemical variation, residue mobility, and thermodynamic stability) indicates that this missense variant is not expected to disrupt SCARB1 protein function with a negative predictive value of 80%. In summary, the available evidence is currently insufficient to determine the role of this variant in disease. Therefore, it has been classified as a Variant of Uncertain Significance.